The following is an entry in ClinVar:

ClinVar aggregate classification (germline): Likely benign (1 of 4 stars; one submission).

gnomAD v4.1: 446 of 1,612,762 alleles (0.028%); highest among the groups gnomAD compares: African/African-American, 0.48%; 1 homozygote.

Submission:

CeGaT Center for Human Genetics Tuebingen
Classification: Likely benign. Last evaluated: 2026-05-01. Review status: criteria provided, single submitter. Criteria: CeGaT Center For Human Genetics Tuebingen Variant Classification Criteria Version 2. Collection method: clinical testing. Allele origin: germline. Affected: yes. Observed: 1 variant allele.
Comment: CYP2A7: BP4

NM_000764.3(CYP2A7):c.1036C>T (p.Arg346Trp)

Gene: CYP2A7 (cytochrome P450 family 2 subfamily A member 7; minus strand). Cytogenetic location: 19q13.2.
Variant type: single nucleotide variant.
Coding change: c.1036C>T on transcript NM_000764.3 (MANE Select); coding-DNA position 1036, C replaced by T.
Protein change: p.Arg346Trp; replaces arginine 346 with tryptophan.
Molecular consequence: missense variant.
Genome position (GRCh38, 1-based): chr19:40,877,315, G>A on the plus strand (C>T on the coding strand, the complement: CYP2A7 is on the minus strand). VCF-style: chr19-40877315-G-A. GRCh37 (hg19) VCF-style: chr19-41383220-G-A.
Other names: c.883C>T, p.Arg295Trp (NM_030589.3); short protein forms R346W, R295W.
Identifiers: ClinVar variation 4872406 (VCV004872406.2).